The following is an entry in ClinVar:

ClinVar aggregate classification (germline): Pathogenic (1 of 4 stars; one submission).

Conditions:
Ataxia-telangiectasia syndrome (AT). Also called: Cerebello-oculocutaneous telangiectasia; Immunodeficiency with ataxia telangiectasia; ATAXIA-TELANGIECTASIA, FRESNO VARIANT; Ataxia-telangiectasia, complementation group D; Ataxia telangiectasia (A-T); LOUIS-BAR SYNDROME. Identifiers: Orphanet 100, MedGen C0004135, MONDO:0008840, OMIM 208900.

Submission:

Labcorp Genetics (formerly Invitae), Labcorp
Classification: Pathogenic for Ataxia-telangiectasia syndrome. Last evaluated: 2020-06-27. Review status: criteria provided, single submitter. Criteria: Invitae Variant Classification Sherloc (09022015). Collection method: clinical testing. Allele origin: germline.
Comment: For these reasons, this variant has been classified as Pathogenic. Loss-of-function variants in ATM are known to be pathogenic (PMID: 23807571, 25614872). This variant has not been reported in the literature in individuals with ATM-related conditions. This variant is an out-of-frame deletion of the genomic region encompassing exon(s) 34-56 of the ATM gene. This is expected to create a premature translational stop signal and result in an absent or disrupted protein product.

Literature cited by the submitters: PubMed 23807571; PubMed 25614872.

NC_000011.9:g.(?_108170431)_(108206698_?)del

Gene: ATM (ATM serine/threonine kinase; plus strand). Cytogenetic location: 11q22.3.
Variant type: Deletion.
Identifiers: ClinVar variation 1075722 (VCV001075722.5).